The following is an entry in ClinVar:

NM_001849.4(COL6A2):c.1625T>G (p.Phe542Cys)

Gene: COL6A2 (collagen type VI alpha 2 chain; plus strand). Cytogenetic location: 21q22.3.
Variant type: single nucleotide variant.
Coding change: c.1625T>G on transcript NM_001849.4 (MANE Select); coding-DNA position 1625, T replaced by G.
Protein change: p.Phe542Cys; replaces phenylalanine 542 with cysteine.
Molecular consequence: missense variant.
Genome position (GRCh38, 1-based): chr21:46,122,891, T>G. VCF-style: chr21-46122891-T-G. GRCh37 (hg19) VCF-style: chr21-47542805-T-G.
Other names: c.1625T>G, p.Phe542Cys (NM_058174.3, NM_058175.3); short protein forms F542C.
Identifiers: ClinVar variation 1424924 (VCV001424924.6), dbSNP rs2123650926, ClinGen allele CA410534730.

ClinVar aggregate classification (germline): Uncertain significance (1 of 4 stars; one submission).

Conditions:
Bethlem myopathy 1A. Also called: MYOPATHY, BENIGN CONGENITAL, WITH CONTRACTURES; Bethlem Muscular Dystrophy; Bethlem myopathy 1. Identifiers: Orphanet 610, MedGen CN029274, MONDO:0024530, OMIM 158810.

Allele frequency attached by ClinVar (database versions not stated): gnomAD exomes below 0.00001.
gnomAD v4.1: 3 of 1,613,338 alleles (0.00019%); highest among the groups gnomAD compares: Non-Finnish European, 0.00025%; no homozygotes.

Submission:

Labcorp Genetics (formerly Invitae), Labcorp
Classification: Uncertain significance for Bethlem myopathy 1A. Last evaluated: 2023-09-06. Review status: criteria provided, single submitter. Criteria: Invitae Variant Classification Sherloc (09022015). Collection method: clinical testing. Allele origin: germline.
Comment: This sequence change replaces phenylalanine, which is neutral and non-polar, with cysteine, which is neutral and slightly polar, at codon 542 of the COL6A2 protein (p.Phe542Cys). In summary, the available evidence is currently insufficient to determine the role of this variant in disease. Therefore, it has been classified as a Variant of Uncertain Significance. Advanced modeling of protein sequence and biophysical properties (such as structural, functional, and spatial information, amino acid conservation, physicochemical variation, residue mobility, and thermodynamic stability) performed at Invitae indicates that this missense variant is not expected to disrupt COL6A2 protein function. ClinVar contains an entry for this variant (Variation ID: 1424924). This variant has not been reported in the literature in individuals affected with COL6A2-related conditions. This variant is not present in population databases (gnomAD no frequency).